The following is an entry in ClinVar:

ClinVar aggregate classification (germline): Uncertain significance (1 of 4 stars; one submission).

Submission:

Labcorp Genetics (formerly Invitae), Labcorp
Classification: Uncertain significance. Last evaluated: 2025-09-16. Review status: criteria provided, single submitter. Criteria: Invitae Variant Classification Sherloc (09022015). Collection method: clinical testing. Allele origin: germline.
Comment: This sequence change replaces isoleucine, which is neutral and non-polar, with leucine, which is neutral and non-polar, at codon 448 of the REST protein (p.Ile448Leu). This variant is not present in population databases (gnomAD no frequency). This variant has not been reported in the literature in individuals affected with REST-related conditions. An algorithm developed to predict the effect of missense changes on protein structure and function (PolyPhen-2) suggests that this variant is likely to be tolerated. In summary, the available evidence is currently insufficient to determine the role of this variant in disease. Therefore, it has been classified as a Variant of Uncertain Significance.

NM_005612.5(REST):c.1342A>C (p.Ile448Leu)

Gene: REST (RE1 silencing transcription factor; plus strand). Cytogenetic location: 4q12.
Variant type: single nucleotide variant.
Coding change: c.1342A>C on transcript NM_005612.5 (MANE Select); coding-DNA position 1342, A replaced by C.
Protein change: p.Ile448Leu; replaces isoleucine 448 with leucine.
Molecular consequence: missense variant.
Genome position (GRCh38, 1-based): chr4:56,930,200, A>C. VCF-style: chr4-56930200-A-C. GRCh37 (hg19) VCF-style: chr4-57796366-A-C.
Other names: c.1342A>C, p.Ile448Leu (NM_001193508.2, NM_001363453.3); c.1258A>C, p.Ile420Leu (NM_001440532.1, NM_001440533.1); short protein forms I420L, I448L.
Identifiers: ClinVar variation 4727297 (VCV004727297.1).